The following is an entry in ClinVar:

ClinVar aggregate classification (germline): Likely pathogenic. Review status: criteria provided, single submitter (1 of 4 stars). 2 submissions from 2 submitters: Likely pathogenic (1). 1 of the submissions does not count toward it. Last evaluated 2024-09-13.

Conditions:
CDKL5 disorder. Identifiers: MedGen CN296942, MONDO:0100039.
Developmental and epileptic encephalopathy, 2 (DEE2). Also called: INFANTILE SPASM SYNDROME, X-LINKED 2; CDKL5 deficiency disorder. Identifiers: Orphanet 1934, Orphanet 3451, Orphanet 505652, MedGen C4750718, MONDO:0010396, OMIM 300672.

Submissions (2):

Centre for Population Genomics, CPG
Classification: Likely pathogenic for CDKL5 disorder. Last evaluated: 2024-09-13. Review status: criteria provided, single submitter. Criteria: McKnight et al. (Hum Mutat. 2022). Collection method: curation. Allele origin: germline. Inheritance: X-linked inheritance.
Comment: This variant has been collected from RettBASE and curated to current modified ACMG/AMP criteria. Based on the classification scheme defined by the ClinGen Rett/Angelman-like Expert Panel for Rett/AS-like Disorders Specifications to the ACMG/AMP Variant Interpretation Guidelines VCEP 3.0, this variant is classified as likely pathogenic. At least the following criteria are met: Predicted to result in loss of function, and LOF is a known mechanism of disease (PVS1). This variant is absent from gnomAD (PM2_Supporting). Has been observed in at least 1 individual with phenotypes consistent with CDKL5 disorder (PMID: 21765152).

RettBASE
Classification: Pathogenic for Epileptic encephalopathy, early infantile, 2. Last evaluated: 2014-03-13. Review status: no assertion criteria provided. Collection method: curation. Allele origin: unknown. Affected: yes. Observed: 1 variant allele. Not counted in ClinVar's aggregate classification.

Literature cited by the submitters: PubMed 21765152 (cited by RettBASE).

NM_001323289.2(CDKL5):c.1784dup (p.Leu596fs)

Gene: CDKL5 (cyclin dependent kinase like 5; plus strand). Cytogenetic location: Xp22.13.
Variant type: Duplication.
Coding change: c.1784dup on transcript NM_001323289.2 (MANE Select); coding-DNA position 1784, one base duplicated (G; older notation c.1784dupG).
Protein change: p.Leu596fs; shifts the reading frame from leucine 596.
Molecular consequence: frameshift variant.
Genome position (GRCh38, 1-based): chrX:18,604,708, G duplicated; the last of 2 consecutive G bases (chrX:18,604,707-18,604,708); duplicating either gives the same sequence. VCF-style (leftmost placement, unchanged base first): chrX-18604706-T-TG. GRCh37 (hg19) VCF-style: chrX-18622826-T-TG.
Other names: NM_001323289.2(CDKL5):c.1784dup; p.Leu596fs; c.1784dupG (NM_003159.2); c.1784dup, p.Leu596fs (NM_001037343.2, NM_003159.3); short protein forms L596fs.
Identifiers: ClinVar variation 189566 (VCV000189566.3), dbSNP rs786204974, ClinGen allele CA199383.